The following is an entry in ClinVar:

ClinVar aggregate classification (germline): Uncertain significance. Review status: criteria provided, single submitter (1 of 4 stars). 3 submissions from 3 submitters: Uncertain significance (1). 2 of the submissions do not count toward it. Last evaluated 2025-09-10.

Allele frequency attached by ClinVar (database versions not stated): gnomAD exomes 0.00008 and 0.00016; gnomAD 0.00009 and 0.00010; ExAC 0.00011; TOPMed 0.00011; 1000 Genomes Project 0.00020; 1000 Genomes Project 30x 0.00031.
gnomAD v4.1: 251 of 1,614,074 alleles (0.016%); highest among the groups gnomAD compares: Non-Finnish European, 0.02%; no homozygotes.

Submissions (3):

Labcorp Genetics (formerly Invitae), Labcorp
Classification: Uncertain significance. Last evaluated: 2025-09-10. Review status: criteria provided, single submitter. Criteria: Invitae Variant Classification Sherloc (09022015). Collection method: clinical testing. Allele origin: germline.
Comment: This sequence change replaces proline, which is neutral and non-polar, with serine, which is neutral and polar, at codon 1675 of the SORL1 protein (p.Pro1675Ser). This variant is present in population databases (rs200758028, gnomAD 0.01%). This variant has not been reported in the literature in individuals affected with SORL1-related conditions. ClinVar contains an entry for this variant (Variation ID: 1209939). An algorithm developed to predict the effect of missense changes on protein structure and function (PolyPhen-2) suggests that this variant is likely to be tolerated. In summary, the available evidence is currently insufficient to determine the role of this variant in disease. Therefore, it has been classified as a Variant of Uncertain Significance.

Clinical Genetics DNA and cytogenetics Diagnostics Lab, Erasmus MC, Erasmus Medical Center
Classification: Likely benign. Review status: no assertion criteria provided. Collection method: clinical testing. Allele origin: germline. Affected: yes. Study: VKGL Data-share Consensus. Not counted in ClinVar's aggregate classification.

Genome Diagnostics Laboratory, Amsterdam University Medical Center
Classification: Likely benign. Review status: no assertion criteria provided. Collection method: clinical testing. Allele origin: germline. Affected: yes. Study: VKGL Data-share Consensus. Not counted in ClinVar's aggregate classification.

NM_003105.6(SORL1):c.5023C>T (p.Pro1675Ser)

Gene: SORL1 (sortilin related receptor 1; plus strand). Cytogenetic location: 11q24.1.
Variant type: single nucleotide variant.
Coding change: c.5023C>T on transcript NM_003105.6 (MANE Select); coding-DNA position 5023, C replaced by T.
Protein change: p.Pro1675Ser; replaces proline 1675 with serine.
Molecular consequence: missense variant.
Genome position (GRCh38, 1-based): chr11:121,606,919, C>T. VCF-style: chr11-121606919-C-T. GRCh37 (hg19) VCF-style: chr11-121477628-C-T.
Other names: short protein forms P1675S.
Identifiers: ClinVar variation 1209939 (VCV001209939.8), dbSNP rs200758028, ClinGen allele CA6329804.